The following is an entry in ClinVar:

NM_003106.4(SOX2):c.552G>T (p.Pro184=)

Genes: SOX2 (SRY-box transcription factor 2; plus strand), SOX2-OT (SOX2 overlapping transcript; plus strand), LOC108281177 (SOX2 5' regulatory region; plus strand). Cytogenetic location: 3q26.33.
Variant type: single nucleotide variant.
Coding change: c.552G>T on transcript NM_003106.4 (MANE Select); coding-DNA position 552, G replaced by T.
Protein change: p.Pro184=; no amino-acid change (proline 184 retained).
Molecular consequence: synonymous variant.
Genome position (GRCh38, 1-based): chr3:181,712,912, G>T. VCF-style: chr3-181712912-G-T. GRCh37 (hg19) VCF-style: chr3-181430700-G-T.
Identifiers: ClinVar variation 383536 (VCV000383536.1), dbSNP rs780758587, ClinGen allele CA16604478.
Genomic context (GRCh38, chr3:181,712,912, plus strand): 5'-CGGCTGGAGCAACGGCAGCTACAGCATGATGCAGGACCAGCTGGGCTACCCGCAGCACCC[G>T]GGCCTCAATGCGCACGGCGCAGCGCAGATGCAGCCCATGCACCGCTACGACGTGAGCGCC-3'
Protein context (NP_003097.1, residues 174-194): MQDQLGYPQH[Pro184=]GLNAHGAAQM

ClinVar aggregate classification (germline): Likely benign (1 of 4 stars; one submission).

Submission:

GeneDx
Classification: Likely benign. Last evaluated: 2016-02-23. Review status: criteria provided, single submitter. Criteria: GeneDx Variant Classification (06012015). Collection method: clinical testing. Allele origin: germline. Affected: yes.
Comment: This variant is considered likely benign or benign based on one or more of the following criteria: it is a conservative change, it occurs at a poorly conserved position in the protein, it is predicted to be benign by multiple in silico algorithms, and/or has population frequency not consistent with disease.